The following is an entry in ClinVar:

ClinVar aggregate classification (germline): Uncertain significance. Review status: criteria provided, multiple submitters, no conflicts (2 of 4 stars). 2 submissions from 2 submitters: Uncertain significance (2). Last evaluated 2023-01-20.

Allele frequency attached by ClinVar (database versions not stated): TOPMed 0.00002; ExAC 0.00003; gnomAD exomes 0.00009.
gnomAD v4.1: 123 of 1,599,640 alleles (0.0077%); highest among the groups gnomAD compares: Non-Finnish European, 0.01%; no homozygotes.

Submissions (2):

Ambry Genetics
Classification: Uncertain significance. Last evaluated: 2023-01-20. Review status: criteria provided, single submitter. Criteria: Ambry Variant Classification Scheme 2023. Collection method: clinical testing. Allele origin: germline.

Labcorp Genetics (formerly Invitae), Labcorp
Classification: Uncertain significance. Last evaluated: 2022-08-04. Review status: criteria provided, single submitter. Criteria: Invitae Variant Classification Sherloc (09022015). Collection method: clinical testing. Allele origin: germline.
Comment: This sequence change replaces aspartic acid, which is acidic and polar, with glycine, which is neutral and non-polar, at codon 278 of the IMPAD1 protein (p.Asp278Gly). This variant is present in population databases (rs752984748, gnomAD 0.009%). This variant has not been reported in the literature in individuals affected with IMPAD1-related conditions. Algorithms developed to predict the effect of missense changes on protein structure and function are either unavailable or do not agree on the potential impact of this missense change (SIFT: "Tolerated"; PolyPhen-2: "Possibly Damaging"; Align-GVGD: "Class C0"). In summary, the available evidence is currently insufficient to determine the role of this variant in disease. Therefore, it has been classified as a Variant of Uncertain Significance.

NM_017813.5(BPNT2):c.833A>G (p.Asp278Gly)

Gene: BPNT2 (3'(2'), 5'-bisphosphate nucleotidase 2; minus strand). Cytogenetic location: 8q12.1.
Variant type: single nucleotide variant.
Coding change: c.833A>G on transcript NM_017813.5 (MANE Select); coding-DNA position 833, A replaced by G.
Protein change: p.Asp278Gly; replaces aspartic acid 278 with glycine.
Molecular consequence: missense variant.
Genome position (GRCh38, 1-based): chr8:56,964,040, T>C on the plus strand (A>G on the coding strand, the complement: BPNT2 is on the minus strand). VCF-style: chr8-56964040-T-C. GRCh37 (hg19) VCF-style: chr8-57876599-T-C.
Other names: c.833A>G (NM_017813.3); short protein forms D278G.
Identifiers: ClinVar variation 1978870 (VCV001978870.3), dbSNP rs752984748, ClinGen allele CA4755793.